The following is an entry in ClinVar:

NM_000256.3(MYBPC3):c.970A>G (p.Ile324Val)

Gene: MYBPC3 (myosin binding protein C3; minus strand). Cytogenetic location: 11p11.2.
Variant type: single nucleotide variant.
Coding change: c.970A>G on transcript NM_000256.3 (MANE Select); coding-DNA position 970, A replaced by G.
Protein change: p.Ile324Val; replaces isoleucine 324 with valine.
Molecular consequence: missense variant.
Genome position (GRCh38, 1-based): chr11:47,346,327, T>C on the plus strand (A>G on the coding strand, the complement: MYBPC3 is on the minus strand). VCF-style: chr11-47346327-T-C. GRCh37 (hg19) VCF-style: chr11-47367878-T-C.
Other names: short protein forms I324V.
Identifiers: ClinVar variation 1017936 (VCV001017936.11), dbSNP rs765732047, ClinGen allele CA380331840.
Genomic context (GRCh38, chr11:47,346,327, plus strand): 5'-CAGTGACGCCGTACTGGAAGGCGATGCGCTCGTACTCAGATGGGGGTGCCTGCCGTAGGA[T>C]CTCCCACACGTCCTCCTCTGCTGGTGCCTCCAGCTTCGAGTCCCTGTGTCCCGCAGTCTA-3'
Protein context (NP_000247.2, residues 314-334): EAPAEEDVWE[Ile324Val]LRQAPPSEYE

ClinVar aggregate classification (germline): Uncertain significance. Review status: criteria provided, multiple submitters, no conflicts (2 of 4 stars). 2 submissions from 2 submitters: Uncertain significance (2). Last evaluated 2023-02-16.

Conditions:
Hypertrophic cardiomyopathy. Also called: HYPERTROPHIC MYOCARDIOPATHY. Identifiers: Orphanet 217569, MedGen C0007194, MeSH D002312, MONDO:0005045, HP:0001639.

Submissions (2):

GeneDx
Classification: Uncertain significance. Last evaluated: 2023-02-16. Review status: criteria provided, single submitter. Criteria: GeneDx Variant Classification Process June 2021. Collection method: clinical testing. Allele origin: germline. Affected: yes.
Comment: Has not been previously published as pathogenic or benign to our knowledge; Not observed in large population cohorts (gnomAD); In silico analysis supports that this missense variant does not alter protein structure/function

Labcorp Genetics (formerly Invitae), Labcorp
Classification: Uncertain significance for Hypertrophic cardiomyopathy. Last evaluated: 2020-07-29. Review status: criteria provided, single submitter. Criteria: Invitae Variant Classification Sherloc (09022015). Collection method: clinical testing. Allele origin: germline.
Comment: Algorithms developed to predict the effect of missense changes on protein structure and function are either unavailable or do not agree on the potential impact of this missense change (SIFT: "Deleterious"; PolyPhen-2: "Benign"; Align-GVGD: "Class C25"). This variant has not been reported in the literature in individuals with MYBPC3-related conditions. This variant is not present in population databases (ExAC no frequency). This sequence change replaces isoleucine with valine at codon 324 of the MYBPC3 protein (p.Ile324Val). The isoleucine residue is highly conserved and there is a small physicochemical difference between isoleucine and valine. In summary, the available evidence is currently insufficient to determine the role of this variant in disease. Therefore, it has been classified as a Variant of Uncertain Significance.